The following is an entry in ClinVar:

NM_004281.4(BAG3):c.905C>T (p.Pro302Leu)

Gene: BAG3 (BAG cochaperone 3; plus strand). Cytogenetic location: 10q26.11.
Variant type: single nucleotide variant.
Coding change: c.905C>T on transcript NM_004281.4 (MANE Select); coding-DNA position 905, C replaced by T.
Protein change: p.Pro302Leu; replaces proline 302 with leucine.
Molecular consequence: missense variant.
Genome position (GRCh38, 1-based): chr10:119,672,652, C>T. VCF-style: chr10-119672652-C-T. GRCh37 (hg19) VCF-style: chr10-121432164-C-T.
Other names: short protein forms P302L.
Identifiers: ClinVar variation 1391678 (VCV001391678.8), dbSNP rs201416791, ClinGen allele CA214222209.

ClinVar aggregate classification (germline): Uncertain significance (1 of 4 stars; one submission).

Conditions:
Myofibrillar myopathy 6. Identifiers: Orphanet 199340, MedGen C2751831, MONDO:0013061, OMIM 612954.
Dilated cardiomyopathy 1HH (CMD1HH). Identifiers: Orphanet 154, MedGen C3151293, MONDO:0013479, OMIM 613881.

Allele frequency attached by ClinVar (database versions not stated): gnomAD exomes below 0.00001 and 0.00001; gnomAD 0.00001; 1000 Genomes Project 30x 0.00016; 1000 Genomes Project 0.00020.
gnomAD v4.1: 3 of 1,613,190 alleles (0.00019%); highest among the groups gnomAD compares: East Asian, 0.0067%; no homozygotes.

Submission:

Labcorp Genetics (formerly Invitae), Labcorp
Classification: Uncertain significance for Dilated cardiomyopathy 1HH; Myofibrillar myopathy 6. Last evaluated: 2024-04-10. Review status: criteria provided, single submitter. Criteria: Invitae Variant Classification Sherloc (09022015). Collection method: clinical testing. Allele origin: germline.
Comment: This sequence change replaces proline, which is neutral and non-polar, with leucine, which is neutral and non-polar, at codon 302 of the BAG3 protein (p.Pro302Leu). This variant is present in population databases (rs201416791, gnomAD 0.006%). This variant has not been reported in the literature in individuals affected with BAG3-related conditions. ClinVar contains an entry for this variant (Variation ID: 1391678). Advanced modeling of protein sequence and biophysical properties (such as structural, functional, and spatial information, amino acid conservation, physicochemical variation, residue mobility, and thermodynamic stability) performed at Invitae indicates that this missense variant is not expected to disrupt BAG3 protein function with a negative predictive value of 80%. In summary, the available evidence is currently insufficient to determine the role of this variant in disease. Therefore, it has been classified as a Variant of Uncertain Significance.